The following is an entry in ClinVar:

ClinVar aggregate classification (germline): Uncertain significance (1 of 4 stars; one submission).

Conditions:
Aicardi-Goutieres syndrome 7 (AGS7). Identifiers: Orphanet 51, MedGen C3888244, MONDO:0014367, OMIM 615846.
Singleton-Merten syndrome 1 (SGMRT1). Also called: Widened medullary cavities of bone, aortic calcification, abnormal dentition, and muscular weakness; Syndrome of widened medullary cavities of the metacarpals and phalanges, aortic calcification and abnormal dentition. Identifiers: Orphanet 85191, MedGen C4225427, MONDO:0024535, OMIM 182250.

Submission:

Labcorp Genetics (formerly Invitae), Labcorp
Classification: Uncertain significance for Aicardi-Goutieres syndrome 7; Singleton-Merten syndrome 1. Last evaluated: 2023-01-23. Review status: criteria provided, single submitter. Criteria: Invitae Variant Classification Sherloc (09022015). Collection method: clinical testing. Allele origin: germline.
Comment: In summary, the available evidence is currently insufficient to determine the role of this variant in disease. Therefore, it has been classified as a Variant of Uncertain Significance. Advanced modeling of protein sequence and biophysical properties (such as structural, functional, and spatial information, amino acid conservation, physicochemical variation, residue mobility, and thermodynamic stability) has been performed at Invitae for this missense variant, however the output from this modeling did not meet the statistical confidence thresholds required to predict the impact of this variant on IFIH1 protein function. This missense change has been observed in at least one individual who was not affected with IFIH1-related conditions (Invitae). This variant has not been reported in the literature in individuals affected with IFIH1-related conditions. This variant is not present in population databases (gnomAD no frequency). This sequence change replaces tryptophan, which is neutral and slightly polar, with serine, which is neutral and polar, at codon 75 of the IFIH1 protein (p.Trp75Ser).

NM_022168.4(IFIH1):c.224G>C (p.Trp75Ser)

Gene: IFIH1 (interferon induced with helicase C domain 1; minus strand). Cytogenetic location: 2q24.2.
Variant type: single nucleotide variant.
Coding change: c.224G>C on transcript NM_022168.4 (MANE Select); coding-DNA position 224, G replaced by C.
Protein change: p.Trp75Ser; replaces tryptophan 75 with serine.
Molecular consequence: missense variant.
Genome position (GRCh38, 1-based): chr2:162,318,084, C>G on the plus strand (G>C on the coding strand, the complement: IFIH1 is on the minus strand). VCF-style: chr2-162318084-C-G. GRCh37 (hg19) VCF-style: chr2-163174594-C-G.
Other names: short protein forms W75S.
Identifiers: ClinVar variation 2941272 (VCV002941272.3), dbSNP rs1683544353, ClinGen allele CA349013815.
Genomic context (GRCh38, chr2:162,318,084, plus strand): 5'-ATGTAGCGGGCGGCCAGAGGGCTGCCGGTTCTCCGGAGGGCCTCCACGAATTCCCGAGTC[C>G]AACCAAGGTGCCAGACTCCCTTCTCCAAGGTGCTCAGCAGCAGTTCAACTGCCTGCATGT-3'
Protein context (NP_071451.2, residues 65-85): TLEKGVWHLG[Trp75Ser]TREFVEALRR